The following is an entry in ClinVar:

NM_020166.5(MCCC1):c.1908C>G (p.Tyr636Ter)

Gene: MCCC1 (methylcrotonyl-CoA carboxylase subunit 1; minus strand). Cytogenetic location: 3q27.1.
Variant type: single nucleotide variant.
Coding change: c.1908C>G on transcript NM_020166.5 (MANE Select); coding-DNA position 1908, C replaced by G.
Protein change: p.Tyr636Ter; replaces tyrosine 636 with a stop codon.
Molecular consequence: nonsense. On other transcripts: non-coding transcript variant (2).
Genome position (GRCh38, 1-based): chr3:183,020,199, G>C on the plus strand (C>G on the coding strand, the complement: MCCC1 is on the minus strand). VCF-style: chr3-183020199-G-C. GRCh37 (hg19) VCF-style: chr3-182737987-G-C.
Other names: c.1557C>G, p.Tyr519Ter (NM_001293273.2); c.1581C>G, p.Tyr527Ter (NM_001363880.1); short protein forms Y636*, Y519*, Y527*.
Identifiers: ClinVar variation 1370608 (VCV001370608.7), dbSNP rs1311139055, ClinGen allele CA355315285.

ClinVar aggregate classification (germline): Pathogenic/Likely pathogenic. Review status: criteria provided, multiple submitters, no conflicts (2 of 4 stars). 2 submissions from 2 submitters: Pathogenic (1); Likely pathogenic (1). Last evaluated 2023-10-19.

Conditions:
3-methylcrotonyl-CoA carboxylase 1 deficiency (MCC1D). Also called: MCCD TYPE 1; METHYLCROTONYLGLYCINURIA TYPE I; MCC 1 deficiency; 3 Alpha methylcrotonylglycinuria 1. Identifiers: Orphanet 6, MedGen CN028786, MONDO:0008861, OMIM 210200.

Allele frequency attached by ClinVar (database versions not stated): TOPMed 0.00001.

Submissions (2):

Labcorp Genetics (formerly Invitae), Labcorp
Classification: Pathogenic for 3-methylcrotonyl-CoA carboxylase 1 deficiency. Last evaluated: 2023-10-19. Review status: criteria provided, single submitter. Criteria: Invitae Variant Classification Sherloc (09022015). Collection method: clinical testing. Allele origin: germline.
Comment: This sequence change creates a premature translational stop signal (p.Tyr636*) in the MCCC1 gene. It is expected to result in an absent or disrupted protein product. Loss-of-function variants in MCCC1 are known to be pathogenic (PMID: 11181649, 15359379, 22642865). This variant is not present in population databases (gnomAD no frequency). This variant has not been reported in the literature in individuals affected with MCCC1-related conditions. ClinVar contains an entry for this variant (Variation ID: 1370608). Algorithms developed to predict the effect of sequence changes on RNA splicing suggest that this variant may disrupt the consensus splice site. For these reasons, this variant has been classified as Pathogenic.

Baylor Genetics
Classification: Likely pathogenic for 3-methylcrotonyl-CoA carboxylase 1 deficiency. Last evaluated: 2023-10-03. Review status: criteria provided, single submitter. Criteria: ACMG Guidelines, 2015. Collection method: clinical testing. Allele origin: unknown.

Literature cited by the submitters: PubMed 11181649 (cited by Labcorp Genetics (formerly Invitae), Labcorp); PubMed 15359379 (cited by Labcorp Genetics (formerly Invitae), Labcorp); PubMed 22642865 (cited by Labcorp Genetics (formerly Invitae), Labcorp).